The following is an entry in ClinVar:

ClinVar aggregate classification (germline): Uncertain significance (1 of 4 stars; one submission).

Submission:

Women's Health and Genetics/Laboratory Corporation of America, LabCorp
Classification: Uncertain significance. Last evaluated: 2025-09-12. Review status: criteria provided, single submitter. Criteria: LabCorp Variant Classification Summary - May 2015. Collection method: clinical testing. Allele origin: germline.
Comment: Variant summary: PLA2G7 c.376+4A>C alters a conserved nucleotide located close to a canonical splice site and therefore could affect mRNA splicing, leading to a significantly altered protein sequence. Several computational tools predict a significant impact on normal splicing: three predict the variant weakens a 5' donor site. However, these predictions have yet to be confirmed by functional studies. The variant was absent in 251248 control chromosomes (gnomAD). The available data on variant occurrences in the general population are insufficient to allow any conclusion about variant significance. To our knowledge, no occurrence of c.376+4A>C in individuals affected with PLA2G7-related conditions and no experimental evidence demonstrating its impact on protein function have been reported. No submitters have cited clinical-significance assessments for this variant to ClinVar. Based on the evidence outlined above, the variant was classified as uncertain significance.

NM_005084.4(PLA2G7):c.376+4A>C

Gene: PLA2G7 (phospholipase A2 group VII; minus strand). Cytogenetic location: 6p12.3.
Variant type: single nucleotide variant.
Coding change: c.376+4A>C on transcript NM_005084.4 (MANE Select); 4 bases into the intron after coding-DNA position 376, A replaced by C.
Molecular consequence: intron variant.
Genome position (GRCh38, 1-based): chr6:46,716,380, T>G on the plus strand (A>C on the coding strand, the complement: PLA2G7 is on the minus strand). VCF-style: chr6-46716380-T-G. GRCh37 (hg19) VCF-style: chr6-46684117-T-G.
Other names: c.376+4A>C (NM_001168357.2).
Identifiers: ClinVar variation 4535556 (VCV004535556.1).